The following is an entry in ClinVar:

NM_000085.5(CLCNKB):c.1109T>A (p.Met370Lys)

Genes: CLCNKB (chloride voltage-gated channel Kb; plus strand), LOC106501713 (CLCNKB recombination region; plus strand). Cytogenetic location: 1p36.13.
Variant type: single nucleotide variant.
Coding change: c.1109T>A on transcript NM_000085.5 (MANE Select); coding-DNA position 1109, T replaced by A.
Protein change: p.Met370Lys; replaces methionine 370 with lysine.
Molecular consequence: missense variant.
Genome position (GRCh38, 1-based): chr1:16,050,930, T>A. VCF-style: chr1-16050930-T-A. GRCh37 (hg19) VCF-style: chr1-16377425-T-A.
Other names: c.602T>A, p.Met201Lys (NM_001165945.2); short protein forms M201K, M370K.
Identifiers: ClinVar variation 1717961 (VCV001717961.5), dbSNP rs2023269644, ClinGen allele CA338640733.

ClinVar aggregate classification (germline): Uncertain significance (1 of 4 stars; one submission).

Allele frequency attached by ClinVar (database versions not stated): gnomAD exomes below 0.00001.
gnomAD v4.1: 4 of 1,613,252 alleles (0.00025%); highest among the groups gnomAD compares: Non-Finnish European, 0.00034%; no homozygotes.

Submission:

Labcorp Genetics (formerly Invitae), Labcorp
Classification: Uncertain significance. Last evaluated: 2022-08-24. Review status: criteria provided, single submitter. Criteria: Invitae Variant Classification Sherloc (09022015). Collection method: clinical testing. Allele origin: germline.
Comment: This variant is not present in population databases (gnomAD no frequency). In summary, the available evidence is currently insufficient to determine the role of this variant in disease. Therefore, it has been classified as a Variant of Uncertain Significance. Advanced modeling of protein sequence and biophysical properties (such as structural, functional, and spatial information, amino acid conservation, physicochemical variation, residue mobility, and thermodynamic stability) performed at Invitae indicates that this missense variant is not expected to disrupt CLCNKB protein function. This variant has not been reported in the literature in individuals affected with CLCNKB-related conditions. This sequence change replaces methionine, which is neutral and non-polar, with lysine, which is basic and polar, at codon 370 of the CLCNKB protein (p.Met370Lys).